The following is an entry in ClinVar:

ClinVar aggregate classification (germline): Uncertain significance (1 of 4 stars; one submission).

Conditions:
EPHA2-related disorder. Also called: EPHA2-related condition.

gnomAD v4.1: 11 of 1,611,842 alleles (0.00068%); highest among the groups gnomAD compares: Admixed American, 0.0067%; no homozygotes.

Submission:

PreventionGenetics, part of Exact Sciences
Classification: Uncertain significance for EPHA2-related condition. Last evaluated: 2023-01-11. Review status: criteria provided, single submitter. Criteria: ACMG Guidelines, 2015. Collection method: clinical testing. Allele origin: germline.
Comment: The EPHA2 c.154-5C>A variant is predicted to interfere with splicing. To our knowledge, this variant has not been reported in the literature. This variant is reported in 0.0085% of alleles in individuals of Latino descent in gnomAD. At this time, the clinical significance of this variant is uncertain due to the absence of conclusive functional and genetic evidence.

NM_004431.5(EPHA2):c.154-5C>A

Gene: EPHA2 (EPH receptor A2; minus strand). Cytogenetic location: 1p36.13.
Variant type: single nucleotide variant.
Coding change: c.154-5C>A on transcript NM_004431.5 (MANE Select); 5 bases into the intron before coding-DNA position 154, C replaced by A.
Molecular consequence: intron variant.
Genome position (GRCh38, 1-based): chr1:16,149,052, G>T on the plus strand (C>A on the coding strand, the complement: EPHA2 is on the minus strand). VCF-style: chr1-16149052-G-T. GRCh37 (hg19) VCF-style: chr1-16475547-G-T.
Other names: c.-9-5C>A (NM_001329090.2).
Identifiers: ClinVar variation 2634661 (VCV002634661.1), dbSNP rs369642940, ClinGen allele CA625571.